The following is an entry in ClinVar:

ClinVar aggregate classification (germline): Uncertain significance (1 of 4 stars; one submission).

gnomAD v4.1: 3 of 1,610,844 alleles (0.00019%); highest among the groups gnomAD compares: African/African-American, 0.004%; no homozygotes.

Submission:

GeneDx
Classification: Uncertain significance. Last evaluated: 2026-03-10. Review status: criteria provided, single submitter. Criteria: GeneDx Variant Classification Process June 2021. Collection method: clinical testing. Allele origin: germline.
Comment: Not observed at significant frequency in large population cohorts (gnomAD); In silico analysis suggests that this missense variant does not alter protein structure/function; Has not been previously published as pathogenic or benign to our knowledge

NM_001367943.1(TCF7L2):c.170A>C (p.Asn57Thr)

Gene: TCF7L2 (transcription factor 7 like 2; plus strand). Cytogenetic location: 10q25.2.
Variant type: single nucleotide variant.
Coding change: c.170A>C on transcript NM_001367943.1 (MANE Select); coding-DNA position 170, A replaced by C.
Protein change: p.Asn57Thr; replaces asparagine 57 with threonine.
Molecular consequence: missense variant.
Genome position (GRCh38, 1-based): chr10:112,950,926, A>C. VCF-style: chr10-112950926-A-C. GRCh37 (hg19) VCF-style: chr10-114710685-A-C.
Other names: c.170A>C, p.Asn57Thr (NM_001146274.2, NM_001146283.2, NM_001146284.2 and 11 more transcripts); short protein forms N57T.
Identifiers: ClinVar variation 5008916 (VCV005008916.1).